The following is an entry in ClinVar:

ClinVar aggregate classification (germline): Pathogenic (1 of 4 stars; one submission).

Submission:

Labcorp Genetics (formerly Invitae), Labcorp
Classification: Pathogenic. Last evaluated: 2023-11-05. Review status: criteria provided, single submitter. Criteria: Invitae Variant Classification Sherloc (09022015). Collection method: clinical testing. Allele origin: germline.
Comment: This sequence change creates a premature translational stop signal (p.Leu160Alafs*10) in the WISP3 gene. It is expected to result in an absent or disrupted protein product. Loss-of-function variants in WISP3 are known to be pathogenic (PMID: 22791401). This variant is not present in population databases (gnomAD no frequency). This variant has not been reported in the literature in individuals affected with WISP3-related conditions. For these reasons, this variant has been classified as Pathogenic.

Literature cited by the submitters: PubMed 22791401.

NM_198239.2(CCN6):c.473dup (p.Leu160fs)

Gene: CCN6 (cellular communication network factor 6; plus strand). Cytogenetic location: 6q21.
Variant type: Duplication.
Coding change: c.473dup on transcript NM_198239.2 (MANE Select); coding-DNA position 473, one base duplicated (C; older notation c.473dupC).
Protein change: p.Leu160fs; shifts the reading frame from leucine 160.
Molecular consequence: frameshift variant. On other transcripts: non-coding transcript variant (2).
Genome position (GRCh38, 1-based): chr6:112,064,881, C duplicated; the last of 2 consecutive C bases (chr6:112,064,880-112,064,881); duplicating either gives the same sequence. VCF-style (leftmost placement, unchanged base first): chr6-112064879-A-AC. GRCh37 (hg19) VCF-style: chr6-112386082-A-AC.
Other names: c.473dup, p.Leu160fs (NM_003880.4); short protein forms L160fs.
Identifiers: ClinVar variation 2693488 (VCV002693488.3), dbSNP rs2546924702, ClinGen allele CA2697553646.